The following is an entry in ClinVar:

ClinVar aggregate classification (germline): Likely pathogenic (1 of 4 stars; one submission).

Conditions:
Hereditary spastic paraplegia 7 (SPG7). Also called: Autosomal recessive spastic paraplegia type 7; SPASTIC PARAPLEGIA 7, AUTOSOMAL RECESSIVE, WITH OR WITHOUT CEREBELLAR ATAXIA; Spastic paraplegia 7; Hereditary spastic paraplegia Paraplegin type; SPG7-related neurologic disorder. Identifiers: Orphanet 99013, MedGen C1846564, MONDO:0011803, OMIM 607259.

Submission:

PROSPAX: an integrated multimodal progression  chart in spastic ataxias, Center for Neurology; Hertie-Institute for Clinical Brain Research
Classification: Likely pathogenic for Hereditary spastic paraplegia 7. Last evaluated: 2022-01-01. Review status: criteria provided, single submitter. Criteria: ACMG Guidelines, 2015. Collection method: research. Allele origin: germline. Affected: yes.
Comment: Variant seen in compound het: [c.79_80insTG;c.2164delC]

NM_003119.4(SPG7):c.2164del (p.Leu722fs)

Gene: SPG7 (SPG7 matrix AAA peptidase subunit, paraplegin; plus strand). Cytogenetic location: 16q24.3.
Variant type: Deletion.
Coding change: c.2164del on transcript NM_003119.4 (MANE Select); coding-DNA position 2164, one base deleted (C; older notation c.2164delC).
Protein change: p.Leu722fs; shifts the reading frame from leucine 722.
Molecular consequence: frameshift variant.
Genome position (GRCh38, 1-based): chr16:89,554,546, C deleted; the last of 2 consecutive C bases (chr16:89,554,545-89,554,546); deleting either gives the same sequence. VCF-style (leftmost placement, unchanged base first): chr16-89554544-AC-A. GRCh37 (hg19) VCF-style: chr16-89620952-AC-A.
Other names: c.2164del, p.Leu722fs (NM_001363850.1); short protein forms L722fs.
Identifiers: ClinVar variation 3242480 (VCV003242480.1).